The following is an entry in ClinVar:

ClinVar aggregate classification (germline): Uncertain significance (1 of 4 stars; one submission).

Submission:

GeneDx
Classification: Uncertain significance. Last evaluated: 2025-05-05. Review status: criteria provided, single submitter. Criteria: GeneDx Variant Classification Process June 2021. Collection method: clinical testing. Allele origin: germline. Affected: yes.
Comment: Not observed at significant frequency in large population cohorts (gnomAD); In silico analysis suggests that this missense variant does not alter protein structure/function; Has not been previously published as pathogenic or benign to our knowledge

NM_003238.6(TGFB2):c.745A>G (p.Arg249Gly)

Gene: TGFB2 (transforming growth factor beta 2; plus strand). Cytogenetic location: 1q41.
Variant type: single nucleotide variant.
Coding change: c.745A>G on transcript NM_003238.6 (MANE Select); coding-DNA position 745, A replaced by G.
Protein change: p.Arg249Gly; replaces arginine 249 with glycine.
Molecular consequence: missense variant. On other transcripts: non-coding transcript variant (2).
Genome position (GRCh38, 1-based): chr1:218,434,439, A>G. VCF-style: chr1-218434439-A-G. GRCh37 (hg19) VCF-style: chr1-218607781-A-G.
Other names: c.829A>G, p.Arg277Gly (NM_001135599.4); short protein forms R249G, R277G.
Identifiers: ClinVar variation 4527941 (VCV004527941.1).